The following is an entry in ClinVar:

ClinVar aggregate classification (germline): Benign (1 of 4 stars; one submission).

Allele frequency attached by ClinVar (database versions not stated): gnomAD exomes 0.02250; gnomAD 0.03210 and 0.03274; TOPMed 0.03770; 1000 Genomes Project 0.05172; 1000 Genomes Project 30x 0.05231.
gnomAD v4.1: 15,366 of 614,746 alleles (2.5%); highest among the groups gnomAD compares: East Asian, 9.2%; 438 homozygotes.

Submission:

GeneDx
Classification: Benign. Last evaluated: 2018-06-14. Review status: criteria provided, single submitter. Criteria: GeneDx Variant Classification (06012015). Collection method: clinical testing. Allele origin: germline. Affected: yes.
Comment: This variant is considered likely benign or benign based on one or more of the following criteria: it is a conservative change, it occurs at a poorly conserved position in the protein, it is predicted to be benign by multiple in silico algorithms, and/or has population frequency not consistent with disease.

NM_014946.4(SPAST):c.1174-154G>A

Gene: SPAST (spastin; plus strand). Cytogenetic location: 2p22.3.
Variant type: single nucleotide variant.
Coding change: c.1174-154G>A on transcript NM_014946.4 (MANE Select); 154 bases into the intron before coding-DNA position 1174, G replaced by A.
Molecular consequence: intron variant.
Genome position (GRCh38, 1-based): chr2:32,128,254, G>A. VCF-style: chr2-32128254-G-A. GRCh37 (hg19) VCF-style: chr2-32353323-G-A.
Other names: c.1078-154G>A (NM_199436.2, NM_001377959.1); c.1171-154G>A (NM_001363823.2); c.1075-154G>A (NM_001363875.2).
Identifiers: ClinVar variation 673098 (VCV000673098.1), dbSNP rs2294177, ClinGen allele CA44742633.